The following is an entry in ClinVar:

NM_181523.3(PIK3R1):c.1861G>A (p.Glu621Lys)

Gene: PIK3R1 (phosphoinositide-3-kinase regulatory subunit 1; plus strand). Cytogenetic location: 5q13.1.
Variant type: single nucleotide variant.
Coding change: c.1861G>A on transcript NM_181523.3 (MANE Select); coding-DNA position 1861, G replaced by A.
Protein change: p.Glu621Lys; replaces glutamic acid 621 with lysine.
Molecular consequence: missense variant.
Genome position (GRCh38, 1-based): chr5:68,296,217, G>A. VCF-style: chr5-68296217-G-A. GRCh37 (hg19) VCF-style: chr5-67592045-G-A.
Other names: c.772G>A, p.Glu258Lys (NM_001242466.2); c.1051G>A, p.Glu351Lys (NM_181504.4); c.961G>A, p.Glu321Lys (NM_181524.2); short protein forms E621K, E258K, E321K, E351K.
Identifiers: ClinVar variation 968750 (VCV000968750.10), dbSNP rs1376376979, ClinGen allele CA359883962.
Genomic context (GRCh38, chr5:68,296,217, plus strand): 5'-TCCTGCCTGCCTAGCCAATATTCACTGGTGGAAGATGATGAAGATTTGCCCCATCATGAT[G>A]AGAAGACATGGAATGTTGGAAGCAGCAACCGAAACAAAGCTGAAAACCTGTTGCGAGGGA-3'
Protein context (NP_852664.1, residues 611-631): EDDEDLPHHD[Glu621Lys]KTWNVGSSNR

ClinVar aggregate classification (germline): Uncertain significance (1 of 4 stars; one submission).

Conditions:
Agammaglobulinemia 7, autosomal recessive (AGM7). Also called: AGAMMAGLOBULINEMIA, AUTOSOMAL RECESSIVE, DUE TO PIK3R1 DEFECT. Identifiers: MedGen C3554689, MONDO:0014083, OMIM 615214.
SHORT syndrome. Also called: LIPODYSTROPHY, PARTIAL, WITH RIEGER ANOMALY AND SHORT STATURE; PIK3R1-Related SHORT Syndrome; SHORT STATURE, HYPEREXTENSIBILITY, HERNIA, OCULAR DEPRESSION, RIEGER ANOMALY, AND TEETHING DELAY. Identifiers: Orphanet 3163, MedGen C0878684, MONDO:0010026, OMIM 269880.
Immunodeficiency 36 with lymphoproliferation. Also called: Immunodeficiency 36; Activated PI3K Delta Syndrome Type 2 (APDS2); ACTIVATED PI3K-DELTA SYNDROME 2. Identifiers: Orphanet 397596, Orphanet 693681, MedGen C4014934, MONDO:0014453, OMIM 616005.

Submission:

Labcorp Genetics (formerly Invitae), Labcorp
Classification: Uncertain significance for SHORT syndrome; Immunodeficiency 36 with lymphoproliferation; Agammaglobulinemia 7, autosomal recessive. Last evaluated: 2022-11-01. Review status: criteria provided, single submitter. Criteria: Invitae Variant Classification Sherloc (09022015). Collection method: clinical testing. Allele origin: germline.
Comment: In summary, the available evidence is currently insufficient to determine the role of this variant in disease. Therefore, it has been classified as a Variant of Uncertain Significance. Advanced modeling of protein sequence and biophysical properties (such as structural, functional, and spatial information, amino acid conservation, physicochemical variation, residue mobility, and thermodynamic stability) has been performed at Invitae for this missense variant, however the output from this modeling did not meet the statistical confidence thresholds required to predict the impact of this variant on PIK3R1 protein function. ClinVar contains an entry for this variant (Variation ID: 968750). This variant has not been reported in the literature in individuals affected with PIK3R1-related conditions. This variant is not present in population databases (gnomAD no frequency). This sequence change replaces glutamic acid, which is acidic and polar, with lysine, which is basic and polar, at codon 621 of the PIK3R1 protein (p.Glu621Lys).